The following is an entry in ClinVar:

NC_000011.9:g.(?_76922177)_(76925741_?)del

Gene: MYO7A (myosin VIIA; plus strand). Cytogenetic location: 11q13.5.
Variant type: Deletion.
Identifiers: ClinVar variation 2422702 (VCV002422702.4).

ClinVar aggregate classification (germline): Pathogenic (1 of 4 stars; one submission).

Submission:

Labcorp Genetics (formerly Invitae), Labcorp
Classification: Pathogenic. Last evaluated: 2021-10-22. Review status: criteria provided, single submitter. Criteria: Invitae Variant Classification Sherloc (09022015). Collection method: clinical testing. Allele origin: germline.
Comment: For these reasons, this variant has been classified as Pathogenic. This variant disrupts a region of the MYO7A protein in which other variant(s) (Exon 47-49 Deletion) have been determined to be pathogenic (PMID: 27208209). This suggests that this is a clinically significant region of the protein, and that variants that disrupt it are likely to be disease-causing. This variant has not been reported in the literature in individuals affected with MYO7A-related conditions. This variant is a gross deletion of the genomic region encompassing exon(s) 45-49 of the MYO7A gene, which includes the termination codon. This deletion extends beyond the assayed region for this gene and therefore may encompass additional genes. While this deletion is not anticipated to lead to nonsense mediated decay, it is expected to alter mRNA translation or result in a truncated protein product.

Literature cited by the submitters: PubMed 27208209.